The following is an entry in ClinVar:

NC_012920.1(MT-CYB):m.15458T>C

Gene: MT-CYB (mitochondrially encoded cytochrome b; plus strand).
Variant type: single nucleotide variant.
Genome position: chrM-15458-T-C.
Identifiers: ClinVar variation 143890 (VCV000143890.4), dbSNP rs527236185, ClinGen allele CA270616.

ClinVar aggregate classification (germline): Benign. Review status: criteria provided, single submitter (1 of 4 stars). 2 submissions from 2 submitters: Benign (1). 1 of the submissions does not count toward it. Last evaluated 2019-10-17.

Conditions:
Leigh syndrome (NULS). Also called: Leigh's syndrome; Leigh Syndrome (mtDNA deletion); Leigh Disease; Subacute necrotizing encephalopathy; Necrotizing encephalopathy infantile subacute of Leigh; LEIGH SYNDROME, NUCLEAR. Identifiers: Orphanet 506, MedGen C2931891, MONDO:0009723, OMIM 256000.
Familial cancer of breast. Also called: BREAST CANCER, FAMILIAL; Hereditary breast cancer; hereditary breast carcinoma. Identifiers: Orphanet 227535, MedGen C0346153, MONDO:0016419, OMIM 114480. Disease mechanism: loss of function.

Submissions (2):

Wong Mito Lab, Molecular and Human Genetics, Baylor College of Medicine
Classification: Benign for Leigh syndrome. Last evaluated: 2019-10-17. Review status: criteria provided, single submitter. Criteria: Modified ACMG Guidelines (Unpublished). Collection method: clinical testing. Allele origin: germline.
Comment: The NC_012920.1:m.15458T>C (YP_003024038.1:p.Ser238Pro) variant in MTCYB gene is interpretated to be a Benign variant based on the modified ACMG guidelines (unpublished). This variant meets the following evidence codes: BS1, BS2, BP4

Department of Zoology Govt. MVM College
Classification: Likely pathogenic for Familial cancer of breast. Review status: no assertion criteria provided. Collection method: not provided. Allele origin: unknown. Not counted in ClinVar's aggregate classification.
Comment: KM276971 KM276987
ClinVar note: Converted during submission from probable-pathogenic to Likely pathogenic.